The following is an entry in ClinVar:

NM_004168.4(SDHA):c.988dup (p.Tyr330fs)

Gene: SDHA (succinate dehydrogenase complex flavoprotein subunit A; plus strand). Cytogenetic location: 5p15.33.
Variant type: Duplication.
Coding change: c.988dup on transcript NM_004168.4 (MANE Select); coding-DNA position 988, one base duplicated (T; older notation c.988dupT).
Protein change: p.Tyr330fs; shifts the reading frame from tyrosine 330.
Molecular consequence: frameshift variant.
Genome position (GRCh38, 1-based): chr5:233,569, T duplicated. VCF-style (leftmost placement, unchanged base first): chr5-233568-A-AT. GRCh37 (hg19) VCF-style: chr5-233683-A-AT.
Other names: c.844dup, p.Tyr282fs (NM_001294332.2); c.988dup, p.Tyr330fs (NM_001330758.2); short protein forms Y330fs, Y282fs.
Identifiers: ClinVar variation 2941360 (VCV002941360.3), dbSNP rs2477349585, ClinGen allele CA2740091601.

ClinVar aggregate classification (germline): Pathogenic (1 of 4 stars; one submission).

Conditions:
Mitochondrial complex II deficiency, nuclear type 1. Also called: SUCCINATE CoQ REDUCTASE DEFICIENCY. Identifiers: Orphanet 3208, MedGen C5700310, MONDO:0100294, OMIM 252011.
Pheochromocytoma/paraganglioma syndrome 5. Also called: Paragangliomas 5; SDHA-Related Hereditary Paraganglioma-Pheochromocytoma Syndrome. Identifiers: Orphanet 29072, MedGen C3279992, MONDO:0013602, OMIM 614165.

Submission:

Labcorp Genetics (formerly Invitae), Labcorp
Classification: Pathogenic for Pheochromocytoma/paraganglioma syndrome 5; Mitochondrial complex II deficiency, nuclear type 1. Last evaluated: 2024-06-17. Review status: criteria provided, single submitter. Criteria: Invitae Variant Classification Sherloc (09022015). Collection method: clinical testing. Allele origin: germline.
Comment: This sequence change creates a premature translational stop signal (p.Tyr330Leufs*11) in the SDHA gene. It is expected to result in an absent or disrupted protein product. Loss-of-function variants in SDHA are known to be pathogenic (PMID: 22974104, 24781757). This variant is not present in population databases (gnomAD no frequency). This variant has not been reported in the literature in individuals affected with SDHA-related conditions. For these reasons, this variant has been classified as Pathogenic.

Literature cited by the submitters: PubMed 22974104; PubMed 24781757.